The following is an entry in ClinVar:

ClinVar aggregate classification (germline): Uncertain significance (1 of 4 stars; one submission).

Conditions:
Neuromuscular disease. Also called: Neuromuscular disorder; Neuromyopathy. Identifiers: Orphanet 68381, MedGen C0027868, MeSH D009468, MONDO:0019056.

gnomAD v4.1: 17 of 1,613,794 alleles (0.0011%); highest among the groups gnomAD compares: African/African-American, 0.0027%; no homozygotes.

Submission:

Broad Center for Mendelian Genomics, Broad Institute of MIT and Harvard
Classification: Uncertain significance for Neuromuscular disease. Last evaluated: 2024-11-22. Review status: criteria provided, single submitter. Criteria: ACMG Guidelines, 2015. Collection method: curation. Allele origin: germline. Inheritance: Autosomal recessive inheritance. Study: GREGoR Consortium.
Comment: While this gene is still lacking sufficient evidence to establish a gene-disease relationship, we believe this is a possible novel gene candidate for neuromuscular disease. Given the limited information about this gene-disease relationship, the significance of the AFAP1L1 variant is uncertain. If you have any additional information about functional evidence or other individuals with this phenotype that also have variants in AFAP1L1 we encourage you to reach out to us.

NM_152406.4(AFAP1L1):c.685C>T (p.Arg229Trp)

Gene: AFAP1L1 (actin filament associated protein 1 like 1; plus strand). Cytogenetic location: 5q32.
Variant type: single nucleotide variant.
Coding change: c.685C>T on transcript NM_152406.4 (MANE Select); coding-DNA position 685, C replaced by T.
Protein change: p.Arg229Trp; replaces arginine 229 with tryptophan.
Molecular consequence: missense variant.
Genome position (GRCh38, 1-based): chr5:149,307,551, C>T. VCF-style: chr5-149307551-C-T. GRCh37 (hg19) VCF-style: chr5-148687114-C-T.
Other names: NM_001323063.2:c.685C>T; c.685C>T, p.Arg229Trp (NM_001146337.3, NM_001323063.2); c.586C>T, p.Arg196Trp (NM_001323062.2); short protein forms R196W, R229W.
Identifiers: ClinVar variation 3383329 (VCV003383329.1).
Genomic context (GRCh38, chr5:149,307,551, plus strand): 5'-CCCTCAGAGGAGGCCTCCATGCACCTGGTGAGGGAATGCAGGATATGTGCCTTCCTGCTG[C>T]GGAAAAAGCGTTTCGGGCAGTGGGCCAAGCAGCTGACGGTCATCAGGGAGGACCAGCTCC-3'
Protein context (NP_689619.1, residues 219-239): RECRICAFLL[Arg229Trp]KKRFGQWAKQ